The following is an entry in ClinVar:

NM_000059.4(BRCA2):c.2414del (p.Ser805fs)

Gene: BRCA2 (BRCA2 DNA repair associated; plus strand). Cytogenetic location: 13q13.1.
Variant type: Deletion.
Coding change: c.2414del on transcript NM_000059.4 (MANE Select); coding-DNA position 2414, one base deleted (C; older notation c.2414delC).
Protein change: p.Ser805fs; shifts the reading frame from serine 805.
Molecular consequence: frameshift variant. On other transcripts: non-coding transcript variant (1), intron variant (2).
Genome position (GRCh38, 1-based): chr13:32,336,769, C deleted. VCF-style (leftmost placement, unchanged base first): chr13-32336768-TC-T. GRCh37 (hg19) VCF-style: chr13-32910905-TC-T.
Other names: p.Ser805Leufs*5; c.2414delC, p.Ser805Leufs (NM_000059.3); c.2414del, p.Ser805fs (NM_001406719.1, NM_001406720.1); c.1909+3382del (NM_001406721.1); c.424+5739del (NM_001406722.1); c.2414del (NM_000059.3); short protein forms S805fs.
Identifiers: ClinVar variation 2745602 (VCV002745602.4), dbSNP rs2548523823, ClinGen allele CA2695218004.
Genomic context (GRCh38, chr13:32,336,768, plus strand): 5'-ATTTCTAGAGGCAAAGAATCATACAAAATGTCAGACAAGCTCAAAGGTAACAATTATGAA[TC>T]TGATGTTGAATTAACCAAAAATATTCCCATGGAAAAGAATCAAGATGTATGTGCTTTAAA-3'

ClinVar aggregate classification (germline): Pathogenic. Review status: criteria provided, multiple submitters, no conflicts (2 of 4 stars). 2 submissions from 2 submitters: Pathogenic (2). Last evaluated 2025-08-27.

Conditions:
Hereditary breast ovarian cancer syndrome. Also called: BRCA1- and BRCA2-Associated Hereditary Breast and Ovarian Cancer; Breast and ovarian cancer; Hereditary breast and/or ovarian cancer syndrome; Hereditary breast and ovarian cancer; Hereditary breast and ovarian cancer syndrome (HBOC); Hereditary breast and ovarian cancer syndrome. Identifiers: Orphanet 145, MedGen C0677776, MeSH D061325, MONDO:0003582. Disease mechanism: loss of function.

Submissions (2):

Mayo Clinic Laboratories, Mayo Clinic
Classification: Pathogenic. Last evaluated: 2025-08-27. Review status: criteria provided, single submitter. Criteria: ACMG Guidelines, 2015. Collection method: clinical testing. Allele origin: germline. Observed: 1 variant allele.
Comment: PM2_supporting, PM5_strong, PVS1

Labcorp Genetics (formerly Invitae), Labcorp
Classification: Pathogenic for Hereditary breast ovarian cancer syndrome. Last evaluated: 2023-07-21. Review status: criteria provided, single submitter. Criteria: Invitae Variant Classification Sherloc (09022015). Collection method: clinical testing. Allele origin: germline.
Comment: This sequence change creates a premature translational stop signal (p.Ser805Leufs*5) in the BRCA2 gene. It is expected to result in an absent or disrupted protein product. Loss-of-function variants in BRCA2 are known to be pathogenic (PMID: 20104584). This variant is not present in population databases (gnomAD no frequency). This variant has not been reported in the literature in individuals affected with BRCA2-related conditions. For these reasons, this variant has been classified as Pathogenic.

Literature cited by the submitters: PubMed 34196900 (cited by Mayo Clinic Laboratories, Mayo Clinic); PubMed 20104584 (cited by Labcorp Genetics (formerly Invitae), Labcorp).